The following is an entry in ClinVar:

ClinVar aggregate classification (germline): Likely pathogenic. Review status: criteria provided, multiple submitters, no conflicts (2 of 4 stars). 3 submissions from 3 submitters: Likely pathogenic (2). 1 of the submissions does not count toward it. Last evaluated 2025-11-03.

Conditions:
Bardet-Biedl syndrome 13 (BBS13). Identifiers: Orphanet 110, MedGen C2673873, MONDO:0014441, OMIM 615990.
Meckel syndrome, type 1 (MKS1). Also called: MECKEL-GRUBER SYNDROME, TYPE 1. Identifiers: Orphanet 564, MedGen C3714506, MONDO:0009571, OMIM 249000.
Joubert syndrome 28 (JBTS28). Identifiers: MedGen C4310705, MONDO:0014928, OMIM 617121.
Meckel-Gruber syndrome. Also called: Dysencephalia splachnocystica; DYSENCEPHALIA SPLANCHNOCYSTICA; GRUBER SYNDROME. Identifiers: Orphanet 564, MedGen C0265215, MONDO:0018921.
Joubert syndrome. Also called: Familial aplasia of the vermis; CEREBELLOPARENCHYMAL DISORDER IV; JOUBERT-BOLTSHAUSER SYNDROME. Identifiers: Orphanet 475, MedGen C5979921, MONDO:0018772.

Submissions (3):

Labcorp Genetics (formerly Invitae), Labcorp
Classification: Likely pathogenic for Joubert syndrome; Meckel-Gruber syndrome. Last evaluated: 2025-11-03. Review status: criteria provided, single submitter. Criteria: Invitae Variant Classification Sherloc (09022015). Collection method: clinical testing. Allele origin: germline.
Comment: This sequence change affects an acceptor splice site in intron 13 of the MKS1 gene. It is expected to disrupt RNA splicing. Variants that disrupt the donor or acceptor splice site typically lead to a loss of protein function (PMID: 16199547), and loss-of-function variants in MKS1 are known to be pathogenic (PMID: 19466712, 24886560, 26490104). This variant is not present in population databases (gnomAD no frequency). This variant has not been reported in the literature in individuals affected with MKS1-related conditions. ClinVar contains an entry for this variant (Variation ID: 556907). Algorithms developed to predict the effect of sequence changes on RNA splicing suggest that this variant may disrupt the consensus splice site. In summary, the currently available evidence indicates that the variant is pathogenic, but additional data are needed to prove that conclusively. Therefore, this variant has been classified as Likely Pathogenic.

Baylor Genetics
Classification: Likely pathogenic for Bardet-Biedl syndrome 13. Last evaluated: 2023-01-21. Review status: criteria provided, single submitter. Criteria: ACMG Guidelines, 2015. Collection method: clinical testing. Allele origin: unknown.

Counsyl
Classification: Likely pathogenic for Meckel syndrome, type 1; Bardet-Biedl syndrome 13; Joubert syndrome 28. Last evaluated: 2018-03-01. Review status: no assertion criteria provided. Collection method: clinical testing. Allele origin: unknown. Not counted in ClinVar's aggregate classification.

Literature cited by the submitters: PubMed 16199547 (cited by Labcorp Genetics (formerly Invitae), Labcorp); PubMed 19466712 (cited by Labcorp Genetics (formerly Invitae), Labcorp); PubMed 24886560 (cited by Labcorp Genetics (formerly Invitae), Labcorp); PubMed 26490104 (cited by Labcorp Genetics (formerly Invitae), Labcorp).

NM_017777.4(MKS1):c.1166-2A>G

Gene: MKS1 (MKS transition zone complex subunit 1; minus strand). Cytogenetic location: 17q22.
Variant type: single nucleotide variant.
Coding change: c.1166-2A>G on transcript NM_017777.4 (MANE Select); the canonical splice acceptor site of the intron before coding-DNA position 1166, A replaced by G.
Molecular consequence: splice acceptor variant.
Genome position (GRCh38, 1-based): chr17:58,208,003, T>C on the plus strand (A>G on the coding strand, the complement: MKS1 is on the minus strand). VCF-style: chr17-58208003-T-C. GRCh37 (hg19) VCF-style: chr17-56285364-T-C.
Other names: c.557-2A>G (NM_001321268.2); c.1166-2A>G (NM_001330397.2, NM_001321269.2, NM_001411113.1).
Identifiers: ClinVar variation 556907 (VCV000556907.10), dbSNP rs1488635637, ClinGen allele CA400325603.